The following is an entry in ClinVar:

NM_007294.4(BRCA1):c.441+2T>A

Gene: BRCA1 (BRCA1 DNA repair associated; minus strand). Cytogenetic location: 17q21.31.
Variant type: single nucleotide variant.
Coding change: c.441+2T>A on transcript NM_007294.4 (MANE Select); the canonical splice donor site of the intron after coding-DNA position 441, T replaced by A.
Molecular consequence: splice donor variant. On other transcripts: intron variant (2).
Genome position (GRCh38, 1-based): chr17:43,104,120, A>T on the plus strand (T>A on the coding strand, the complement: BRCA1 is on the minus strand). VCF-style: chr17-43104120-A-T. GRCh37 (hg19) VCF-style: chr17-41256137-A-T.
Other names: c.231+2T>A (NM_001408483.1, NM_001407886.1, NM_001407898.1 and 58 more transcripts); c.441+2T>A (NM_001407634.1, NM_001407610.1, NM_001408442.1 and 164 more transcripts); c.300+2T>A (NM_001407922.1, NM_001408469.1, NM_001408453.1 and 99 more transcripts); c.309+2T>A (NM_001408451.1); c.-218-9260T>A (NM_001407966.1, NM_001407967.1); c.60+2T>A (NM_001407963.1, NM_001407960.1, NM_001407959.1 and 4 more transcripts); c.363+2T>A (NM_001408475.1, NM_001407875.1, NM_001407659.1 and 21 more transcripts); c.432+2T>A (NM_001408408.1, NM_001407647.1, NM_001407646.1).
Identifiers: ClinVar variation 55196 (VCV000055196.47), dbSNP rs397509173, ClinGen allele CA002836.
Genomic context (GRCh38, chr17:43,104,120, plus strand): 5'-AAAAAAAAAAGAAAAAAAAAAGAAAAGAAGAAGAAGAAGAAGAAGAAAACAAATGGTTTT[A>T]CCAAGGAAGGATTTTCGGGTTCACTCTGTAGAAGTCTTTTGGCACGGTTTCTGTAGCCCA-3'

ClinVar aggregate classification (germline): Pathogenic/Likely pathogenic. Review status: criteria provided, multiple submitters, no conflicts (2 of 4 stars). 9 submissions from 9 submitters: Pathogenic (7); Likely pathogenic (2). Last evaluated 2026-04-20.

Conditions:
Breast and/or ovarian cancer. Identifiers: MedGen CN221562.
Hereditary cancer-predisposing syndrome. Also called: Hereditary Cancer Syndrome; Hereditary neoplastic syndrome; Neoplastic Syndromes, Hereditary; Tumor predisposition. Identifiers: Orphanet 140162, MedGen C0027672, MeSH D009386, MONDO:0015356.
Breast neoplasm. Also called: Neoplasm of the breast; Neoplasm of breast; Breast tumor; Breast Neoplasms. Identifiers: MedGen C1458155, MeSH D001943, MONDO:0021100, HP:0100013. Disease mechanism: gain of function.
Hereditary breast ovarian cancer syndrome. Also called: BRCA1- and BRCA2-Associated Hereditary Breast and Ovarian Cancer; Hereditary breast and ovarian cancer syndrome; Hereditary breast and ovarian cancer syndrome (HBOC); Breast and ovarian cancer; Hereditary breast and/or ovarian cancer syndrome; Hereditary breast and ovarian cancer. Identifiers: Orphanet 145, MedGen C0677776, MeSH D061325, MONDO:0003582. Disease mechanism: loss of function.
Breast-ovarian cancer, familial, susceptibility to, 1 (BROVCA1). Also called: BRCA1 Hereditary Breast and Ovarian Cancer; OVARIAN CANCER, SUSCEPTIBILITY TO. Identifiers: Orphanet 145, MedGen C2676676, MONDO:0011450, OMIM 604370. Disease mechanism: loss of function.

Submissions (9):

Dasa
Classification: Pathogenic for Breast-ovarian cancer, familial, susceptibility to, 1. Last evaluated: 2026-04-20. Review status: criteria provided, single submitter. Criteria: DASA Assertion Criteria. Collection method: clinical testing. Allele origin: germline.
Comment: NM_007294.4(BRCA1):c.441+2T>A affects a canonical splice site and is predicted to disrupt normal RNA splicing, leading to loss of normal protein function. Loss-of-function is an established mechanism of disease for this gene. Functional evidence supports a deleterious effect on the gene or gene product (PMID: 21769658). This variant has been reported in individuals with Breast-ovarian cancer, familial, susceptibility to, 1 (PMID: 21769658). Multiple computational predictions support a deleterious effect on the gene or gene product. Based on the available data, this variant is classified as pathogenic.

Labcorp Genetics (formerly Invitae), Labcorp
Classification: Pathogenic for Hereditary breast ovarian cancer syndrome. Last evaluated: 2025-11-17. Review status: criteria provided, single submitter. Criteria: Invitae Variant Classification Sherloc (09022015). Collection method: clinical testing. Allele origin: germline.
Comment: This sequence change affects a donor splice site in intron 6 of the BRCA1 gene. RNA analysis indicates that disruption of this splice site induces altered splicing and may result in an absent or altered protein product. This variant is not present in population databases (gnomAD no frequency). Disruption of this splice site has been observed in individual(s) with hereditary breast and/or ovarian cancer (PMID: 21769658, 28651617, 29907814). ClinVar contains an entry for this variant (Variation ID: 55196). Based on a multifactorial likelihood algorithm using genetic, in silico, and/or statistical data, this variant has been determined to have a high probability of being pathogenic (PMID: 21769658). Studies have shown that disruption of this splice site results in use of cryptic donor and acceptor splice sites, and produces a non-functional protein and/or introduces a premature termination codon (PMID: 21769658). For these reasons, this variant has been classified as Pathogenic.

Ambry Genetics
Classification: Likely pathogenic for Hereditary cancer-predisposing syndrome. Last evaluated: 2025-08-25. Review status: criteria provided, single submitter. Criteria: Ambry Variant Classification Scheme 2023. Collection method: clinical testing. Allele origin: germline.
Comment: The c.441+2T>A intronic variant results from a T to A substitution two nucleotides after coding exon 5 in the BRCA1 gene. This alteration was tested by RT-PCR and shown to result in a transcript that uses an alternate donor site within coding exon 5 leading to a predicted frameshift with premature termination codon (Thomassen M et al. Breast Cancer Res. Treat., 2012 Apr;132:1009-23). This variant is considered to be rare based on population cohorts in the Genome Aggregation Database (gnomAD). This nucleotide position is highly conserved in available vertebrate species. In silico splice site analysis predicts that this alteration will weaken the native splice donor site. Based on the majority of available evidence to date, this variant is likely to be pathogenic.

CHEO Genetics Diagnostic Laboratory, Children's Hospital of Eastern Ontario
Classification: Likely pathogenic for Breast and/or ovarian cancer. Last evaluated: 2023-05-29. Review status: criteria provided, single submitter. Criteria: ACMG Guidelines, 2015. Collection method: clinical testing. Allele origin: germline.

Laboratorio de Genetica e Diagnostico Molecular, Hospital Israelita Albert Einstein
Classification: Pathogenic for Breast-ovarian cancer, familial, susceptibility to, 1. Last evaluated: 2022-12-16. Review status: criteria provided, single submitter. Criteria: ACMG Guidelines, 2015. Collection method: clinical testing. Allele origin: germline. Affected: yes. Observed: 3 variant alleles.
Comment: ACMG classification criteria: PVS1 very strong, PS3 supporting, PS4 supporting, PM2 moderated

Color Diagnostics, LLC DBA Color Health
Classification: Pathogenic for Hereditary cancer-predisposing syndrome. Last evaluated: 2022-01-31. Review status: criteria provided, single submitter. Criteria: ACMG Guidelines, 2015. Collection method: clinical testing. Allele origin: germline.
Comment: This variant causes a T to A nucleotide substitution at the +2 position of intron 6 of the BRCA1 gene. This variant is also known as 560+2T>A or IVS7+2T>A based on Breast Cancer Information Core (BIC) nomenclature. Functional RNA studies have shown that this variant causes the activation of a cryptic splice site in exon 7, resulting in a frameshift deletion and premature truncation in exon 7 (PMID: 21769658, 24884479). This variant has been reported in individuals affected with breast and/or ovarian cancer (PMID: 21769658, 23469205, 24884479), and in individuals at high risk for hereditary breast and ovarian cancer (PMID: 29907814). This variant has not been identified in the general population by the Genome Aggregation Database (gnomAD). Loss of BRCA1 function is a known mechanism of disease. Based on the available evidence, this variant is classified as Pathogenic.

Genetics Program, Instituto Nacional de Cancer
Classification: Pathogenic for Hereditary breast ovarian cancer syndrome. Last evaluated: 2021-11-01. Review status: criteria provided, single submitter. Criteria: ACMG Guidelines, 2015. Collection method: research. Allele origin: germline. Affected: yes.

Mendelics
Classification: Pathogenic for Hereditary breast and ovarian cancer syndrome. Last evaluated: 2018-07-02. Review status: criteria provided, single submitter. Criteria: Mendelics Assertion Criteria 2017. Collection method: clinical testing. Allele origin: unknown.

Clinical and Functional Genomics Group, A.C.Camargo Cancer Center
Classification: Pathogenic for Breast Cancer. Review status: criteria provided, single submitter. Criteria: Carraro et al. (PLoS One. 2013). Collection method: research. Allele origin: germline. Affected: yes.

Literature cited by the submitters: PubMed 21769658 (cited by 4 submitters); PubMed 28651617 (cited by Labcorp Genetics (formerly Invitae), Labcorp); PubMed 29907814 (cited by 3 submitters); PubMed 23451180 (cited by Ambry Genetics); PubMed 30832263 (cited by Ambry Genetics); PubMed 31143303 (cited by Ambry Genetics); PubMed 36329109 (cited by Ambry Genetics and Genetics Program, Instituto Nacional de Cancer); PubMed 23469205 (cited by Color Diagnostics, LLC DBA Color Health); PubMed 24884479 (cited by 3 submitters).